The following is an entry in ClinVar:

NM_000057.4(BLM):c.2938G>A (p.Ala980Thr)

Gene: BLM (BLM RecQ like helicase; plus strand). Cytogenetic location: 15q26.1.
Variant type: single nucleotide variant.
Coding change: c.2938G>A on transcript NM_000057.4 (MANE Select); coding-DNA position 2938, G replaced by A.
Protein change: p.Ala980Thr; replaces alanine 980 with threonine.
Molecular consequence: missense variant.
Genome position (GRCh38, 1-based): chr15:90,790,763, G>A. VCF-style: chr15-90790763-G-A. GRCh37 (hg19) VCF-style: chr15-91333993-G-A.
Other names: c.2938G>A, p.Ala980Thr (NM_001287246.2, NM_001287247.2); c.1813G>A, p.Ala605Thr (NM_001287248.2); short protein forms A605T, A980T.
Identifiers: ClinVar variation 822309 (VCV000822309.7), dbSNP rs1041847799, ClinGen allele CA274764690.
Genomic context (GRCh38, chr15:90,790,763, plus strand): 5'-TTTGTGATTCATGCATCTCTCCCTAAATCTGTGGAGGGTTACTACCAAGAATCTGGCAGA[G>A]CTGGAAGAGATGGGGAAATATCTCACTGCCTGCTTTTCTATACCTATCATGATGTGACCA-3'
Protein context (NP_000048.1, residues 970-990): VEGYYQESGR[Ala980Thr]GRDGEISHCL

ClinVar aggregate classification (germline): Uncertain significance. Review status: criteria provided, multiple submitters, no conflicts (2 of 4 stars). 2 submissions from 2 submitters: Uncertain significance (2). Last evaluated 2025-02-14.

Conditions:
Hereditary cancer-predisposing syndrome. Also called: Tumor predisposition; Hereditary Cancer Syndrome; Neoplastic Syndromes, Hereditary; Hereditary neoplastic syndrome. Identifiers: Orphanet 140162, MedGen C0027672, MeSH D009386, MONDO:0015356.
Bloom syndrome (BLM). Also called: Bloom-Torre-Machacek syndrome. Identifiers: Orphanet 125, MedGen C0005859, MONDO:0008876, OMIM 210900.

Submissions (2):

Ambry Genetics
Classification: Uncertain significance for Hereditary cancer-predisposing syndrome. Last evaluated: 2025-02-14. Review status: criteria provided, single submitter. Criteria: Ambry Variant Classification Scheme 2023. Collection method: clinical testing. Allele origin: germline.

Labcorp Genetics (formerly Invitae), Labcorp
Classification: Uncertain significance for Bloom syndrome. Last evaluated: 2022-07-13. Review status: criteria provided, single submitter. Criteria: Invitae Variant Classification Sherloc (09022015). Collection method: clinical testing. Allele origin: germline.
Comment: This sequence change replaces alanine, which is neutral and non-polar, with threonine, which is neutral and polar, at codon 980 of the BLM protein (p.Ala980Thr). This variant is not present in population databases (gnomAD no frequency). This variant has not been reported in the literature in individuals affected with BLM-related conditions. ClinVar contains an entry for this variant (Variation ID: 822309). Algorithms developed to predict the effect of missense changes on protein structure and function are either unavailable or do not agree on the potential impact of this missense change (SIFT: "Deleterious"; PolyPhen-2: "Probably Damaging"; Align-GVGD: "Class C0"). In summary, the available evidence is currently insufficient to determine the role of this variant in disease. Therefore, it has been classified as a Variant of Uncertain Significance.